The following is an entry in ClinVar:

NM_022089.4(ATP13A2):c.2951C>T (p.Ala984Val)

Gene: ATP13A2 (ATPase cation transporting 13A2; minus strand). Cytogenetic location: 1p36.13.
Variant type: single nucleotide variant.
Coding change: c.2951C>T on transcript NM_022089.4 (MANE Select); coding-DNA position 2951, C replaced by T.
Protein change: p.Ala984Val; replaces alanine 984 with valine.
Molecular consequence: missense variant.
Genome position (GRCh38, 1-based): chr1:16,987,178, G>A on the plus strand (C>T on the coding strand, the complement: ATP13A2 is on the minus strand). VCF-style: chr1-16987178-G-A. GRCh37 (hg19) VCF-style: chr1-17313673-G-A.
Other names: c.2936C>T, p.Ala979Val (NM_001141973.3); c.2819C>T, p.Ala940Val (NM_001141974.3); c.2951C>T (NM_022089.2); short protein forms A940V, A979V, A984V.
Identifiers: ClinVar variation 653589 (VCV000653589.6), dbSNP rs375552345, ClinGen allele CA636660.

ClinVar aggregate classification (germline): Uncertain significance. Review status: criteria provided, multiple submitters, no conflicts (2 of 4 stars). 2 submissions from 2 submitters: Uncertain significance (2). Last evaluated 2023-05-09.

Conditions:
Kufor-Rakeb syndrome (KRS). Also called: PARKINSON DISEASE 9, AUTOSOMAL RECESSIVE, JUVENILE-ONSET. Identifiers: Orphanet 306674, Orphanet 314632, MedGen C1847640, MONDO:0011706, OMIM 606693.
Autosomal recessive spastic paraplegia type 78. Identifiers: Orphanet 513436, MedGen C5567893, MONDO:0014975, OMIM 617225.

Allele frequency attached by ClinVar (database versions not stated): ExAC 0.00002; gnomAD exomes 0.00002 and 0.00007; TOPMed 0.00006; gnomAD 0.00007 and 0.00008; ESP Exome Variant Server 0.00008.

Submissions (2):

GeneDx
Classification: Uncertain significance. Last evaluated: 2023-05-09. Review status: criteria provided, single submitter. Criteria: GeneDx Variant Classification Process June 2021. Collection method: clinical testing. Allele origin: germline. Affected: yes.
Comment: Not observed at significant frequency in large population cohorts (gnomAD); In silico analysis supports that this missense variant does not alter protein structure/function; Has not been previously published as pathogenic or benign to our knowledge

Labcorp Genetics (formerly Invitae), Labcorp
Classification: Uncertain significance for Kufor-Rakeb syndrome; Autosomal recessive spastic paraplegia type 78. Last evaluated: 2022-10-31. Review status: criteria provided, single submitter. Criteria: Invitae Variant Classification Sherloc (09022015). Collection method: clinical testing. Allele origin: germline.
Comment: This sequence change replaces alanine, which is neutral and non-polar, with valine, which is neutral and non-polar, at codon 984 of the ATP13A2 protein (p.Ala984Val). This variant is present in population databases (rs375552345, gnomAD 0.01%). This variant has not been reported in the literature in individuals affected with ATP13A2-related conditions. ClinVar contains an entry for this variant (Variation ID: 653589). Advanced modeling of protein sequence and biophysical properties (such as structural, functional, and spatial information, amino acid conservation, physicochemical variation, residue mobility, and thermodynamic stability) performed at Invitae indicates that this missense variant is not expected to disrupt ATP13A2 protein function. In summary, the available evidence is currently insufficient to determine the role of this variant in disease. Therefore, it has been classified as a Variant of Uncertain Significance.